The following is an entry in ClinVar:

ClinVar aggregate classification (germline): Pathogenic/Likely pathogenic. Review status: criteria provided, multiple submitters, no conflicts (2 of 4 stars). 6 submissions from 6 submitters: Pathogenic (2); Likely pathogenic (3). 1 of the submissions does not count toward it. Last evaluated 2022-12-20.

Conditions:
Cone-rod dystrophy and hearing loss 2 (CRDHL2). Identifiers: MedGen C5193051, MONDO:0020780, OMIM 618358.
CEP250-related disorder. Also called: CEP250-related condition.

Allele frequency attached by ClinVar (database versions not stated): gnomAD 0.00010 and 0.00011; gnomAD exomes 0.00001 and 0.00002; TOPMed 0.00006.
gnomAD v4.1: 23 of 1,612,296 alleles (0.0014%); highest among the groups gnomAD compares: Admixed American, 0.032%; 1 homozygote.

Submissions (7):

Blueprint Genetics
Classification: Likely pathogenic for CEP250-related disorders. Last evaluated: 2022-12-20. Review status: criteria provided, single submitter. Criteria: ACMG Guidelines, 2015. Collection method: clinical testing. Allele origin: germline. Affected: yes. Observed: 2 variant alleles.

Labcorp Genetics (formerly Invitae), Labcorp
Classification: Pathogenic. Last evaluated: 2022-07-19. Review status: criteria provided, single submitter. Criteria: Invitae Variant Classification Sherloc (09022015). Collection method: clinical testing. Allele origin: germline.
Comment: For these reasons, this variant has been classified as Pathogenic. ClinVar contains an entry for this variant (Variation ID: 620662). This premature translational stop signal has been observed in individual(s) with Usher syndrome (PMID: 30459346). This variant is present in population databases (rs774702094, gnomAD 0.01%). This sequence change creates a premature translational stop signal (p.Arg1336*) in the CEP250 gene. It is expected to result in an absent or disrupted protein product. Loss-of-function variants in CEP250 are known to be pathogenic (PMID: 24780881, 29718797).

Institute of Medical Genetics and Applied Genomics, University Hospital Tübingen
Classification: Likely pathogenic. Last evaluated: 2020-10-23. Review status: criteria provided, single submitter. Criteria: ACMG Guidelines, 2015. Collection method: clinical testing. Allele origin: germline. Inheritance: Autosomal recessive inheritance. Affected: yes.

SIB Swiss Institute of Bioinformatics
Classification: Likely pathogenic for Cone-rod dystrophy and hearing loss 2. Last evaluated: 2020-02-14. Review status: criteria provided, single submitter. Criteria: ACMG Guidelines, 2015. Collection method: curation. Allele origin: unknown.
Comment: This variant is interpreted as likely pathogenic for Cone-rod dystrophy and hearing loss 2, autosomal recessive. The following ACMG Tag(s) were applied: PM2, PM3, PVS1-Strong.

Laboratoire de Génétique Moléculaire, CHU Bordeaux
Classification: Pathogenic for Cone-rod dystrophy and hearing loss 2. Review status: criteria provided, single submitter. Criteria: ACMG Guidelines, 2015. Collection method: clinical testing. Allele origin: germline. Affected: yes.

OMIM
Classification: Pathogenic for CONE-ROD DYSTROPHY AND HEARING LOSS 2. Last evaluated: 2019-03-14. Review status: no assertion criteria provided. Collection method: literature only. Allele origin: germline. Not counted in ClinVar's aggregate classification.

Dr. Peter K. Rogan Lab, Western University
No classification provided (evidence only). Condition: Gastric cancer. Review status: no classification provided. Collection method: in vitro. Allele origin: not applicable. Functional consequence: retained intron. Not counted in ClinVar's aggregate classification.

Literature cited by the submitters: PubMed 30459346 (cited by 3 submitters); PubMed 24780881 (cited by Labcorp Genetics (formerly Invitae), Labcorp); PubMed 29718797 (cited by Labcorp Genetics (formerly Invitae), Labcorp).

NM_007186.6(CEP250):c.4006C>T (p.Arg1336Ter)

Gene: CEP250 (centrosomal protein 250; plus strand). Cytogenetic location: 20q11.22.
Variant type: single nucleotide variant.
Coding change: c.4006C>T on transcript NM_007186.6 (MANE Select); coding-DNA position 4006, C replaced by T.
Protein change: p.Arg1336Ter; replaces arginine 1336 with a stop codon.
Molecular consequence: nonsense.
Genome position (GRCh38, 1-based): chr20:35,501,952, C>T. VCF-style: chr20-35501952-C-T. GRCh37 (hg19) VCF-style: chr20-34089779-C-T.
Other names: c.2110C>T, p.Arg704Ter (NM_001318219.1); short protein forms R1336*, R704*.
Identifiers: ClinVar variation 620662 (VCV000620662.15), dbSNP rs774702094, ClinGen allele CA9833632.
Genomic context (GRCh38, chr20:35,501,952, plus strand): 5'-ATGGAACTACATGAAACTATGGCATCCTTACAGAGTCGCCTGCGGAGAGCAGAGCTACAG[C>T]GAATGGAAGCCCAGGTAAAGTGGTACTGGTTTCAGGGAGGGGTTTGCCTCAGGAGTAGTC-3'